The following is an entry in ClinVar:

ClinVar aggregate classification (germline): Conflicting classifications of pathogenicity. Review status: criteria provided, conflicting classifications (1 of 4 stars). 6 submissions from 6 submitters: Likely pathogenic (1); Uncertain significance (5). Last evaluated 2026-03-25.

Conditions:
Marfan syndrome (MFS). Also called: Marfan syndrome, classic; Marfan syndrome type 1; Marfan's syndrome; MARFAN SYNDROME, TYPE I; FBN1-Related Marfan Syndrome. Identifiers: Orphanet 284963, Orphanet 558, MedGen C0024796, MONDO:0007947, OMIM 154700.
Familial thoracic aortic aneurysm and aortic dissection (TAAD). Also called: Thoracic aortic aneurysms and dissections. Identifiers: Orphanet 91387, MedGen C4707243, MONDO:0019625.

Allele frequency attached by ClinVar (database versions not stated): gnomAD 0.00001; gnomAD exomes 0.00001; TOPMed 0.00002.
gnomAD v4.1: 16 of 1,614,016 alleles (0.00099%); highest among the groups gnomAD compares: African/African-American, 0.004%; no homozygotes.

Submissions (6):

Ambry Genetics
Classification: Uncertain significance for Familial thoracic aortic aneurysm and aortic dissection. Last evaluated: 2026-03-25. Review status: criteria provided, single submitter. Criteria: Ambry Variant Classification Scheme 2023. Collection method: clinical testing. Allele origin: germline.
Comment: The p.R1832H variant (also known as c.5495G>A), located in coding exon 44 of the FBN1 gene, results from a G to A substitution at nucleotide position 5495. The arginine at codon 1832 is replaced by histidine, an amino acid with highly similar properties. This variant was reported in individual(s) with features consistent with thoracic aortic aneurysm or dissection (Renner S et al. Genet Med, 2019 Aug;21:1832-1841). This amino acid position is highly conserved in available vertebrate species. In addition, this alteration is predicted to be deleterious by in silico analysis. Based on the available evidence, the clinical significance of this variant remains unclear.

Labcorp Genetics (formerly Invitae), Labcorp
Classification: Uncertain significance for Marfan syndrome; Familial thoracic aortic aneurysm and aortic dissection. Last evaluated: 2025-11-21. Review status: criteria provided, single submitter. Criteria: Invitae Variant Classification Sherloc (09022015). Collection method: clinical testing. Allele origin: germline.
Comment: This sequence change replaces arginine, which is basic and polar, with histidine, which is basic and polar, at codon 1832 of the FBN1 protein (p.Arg1832His). This variant is present in population databases (rs764203302, gnomAD 0.0008%). This missense change has been observed in individual(s) with thoracic aortic aneurysm and dissection (PMID: 30675029). ClinVar contains an entry for this variant (Variation ID: 373743). Invitae Evidence Modeling of protein sequence and biophysical properties (such as structural, functional, and spatial information, amino acid conservation, physicochemical variation, residue mobility, and thermodynamic stability) indicates that this missense variant is expected to disrupt FBN1 protein function with a positive predictive value of 95%. In summary, the available evidence is currently insufficient to determine the role of this variant in disease. Therefore, it has been classified as a Variant of Uncertain Significance.

Color Diagnostics, LLC DBA Color Health
Classification: Uncertain significance for Familial thoracic aortic aneurysm and aortic dissection. Last evaluated: 2024-04-17. Review status: criteria provided, single submitter. Criteria: ACMG Guidelines, 2015. Collection method: clinical testing. Allele origin: germline.
Comment: This missense variant replaces arginine with histidine at codon 1832 of the FBN1 protein. Computational prediction tools indicate that this variant has a deleterious impact on protein structure and function. To our knowledge, functional studies have not been reported for this variant. This variant has been reported in one individual affected with thoracic aortic aneurysm and aortic dissection (PMID: 30675029). This variant has been identified in 1/31398 chromosomes in the general population by the Genome Aggregation Database (gnomAD). The available evidence is insufficient to determine the role of this variant in disease conclusively. Therefore, this variant is classified as a Variant of Uncertain Significance.

All of Us Research Program, National Institutes of Health
Classification: Uncertain significance for Marfan syndrome. Last evaluated: 2023-06-28. Review status: criteria provided, single submitter. Criteria: ACMG Guidelines, 2015. Collection method: clinical testing. Allele origin: germline. Inheritance: Autosomal dominant inheritance. Observed: 2 variant alleles, 2 heterozygotes.
Comment: This study involves interpretation of variants in research participants for the purpose of population health screening. Participant phenotype was not available at the time of variant classification. Additional details can be found in publication PMID: 35346344, PMCID: PMC8962531

Institute of Human Genetics, University Medical Center Hamburg-Eppendorf
Classification: Likely pathogenic for Thoracic aortic aneurysm and aortic dissection. Last evaluated: 2018-11-20. Review status: criteria provided, single submitter. Criteria: ACMG Guidelines, 2015. Collection method: clinical testing. Allele origin: unknown. Inheritance: Autosomal dominant inheritance. Affected: yes.

GeneDx
Classification: Uncertain significance. Last evaluated: 2016-12-09. Review status: criteria provided, single submitter. Criteria: GeneDx Variant Classification (06012015). Collection method: clinical testing. Allele origin: germline. Affected: yes.
Comment: A variant of uncertain significance has been identified in the FBN1 gene. The R1832H variant has not been published as a pathogenic variant, nor has it been reported as a benign variant to our knowledge. The R1832H variant was not observed in approximately 6500 individuals of European and African American ancestry in the NHLBI Exome Sequencing Project, indicating it is not a common benign variant in these populations. This substitution occurs at a position that is conserved across species, and in silico analysis predicts this variant is probably damaging to the protein structure/function. Nevertheless, the R1832H variant is a conservative amino acid substitution, which is not likely to impact secondary protein structure as these residues share similar properties. Though located in a calcium-binding EGF-like domain of the FBN1 gene, the R1832H variant does not affect a cysteine residue. Cysteine substitutions in the calcium-binding EGF-like domains represent the majority of pathogenic missense changes associated with Marfan syndrome (Collod-Beroud et al., 2003).

Literature cited by the submitters: PubMed 30675029 (cited by 4 submitters).

NM_000138.5(FBN1):c.5495G>A (p.Arg1832His)

Gene: FBN1 (fibrillin 1; minus strand). Cytogenetic location: 15q21.1.
Variant type: single nucleotide variant.
Coding change: c.5495G>A on transcript NM_000138.5 (MANE Select); coding-DNA position 5495, G replaced by A.
Protein change: p.Arg1832His; replaces arginine 1832 with histidine.
Molecular consequence: missense variant.
Genome position (GRCh38, 1-based): chr15:48,452,612, C>T on the plus strand (G>A on the coding strand, the complement: FBN1 is on the minus strand). VCF-style: chr15-48452612-C-T. GRCh37 (hg19) VCF-style: chr15-48744809-C-T.
Other names: short protein forms R1832H.
Identifiers: ClinVar variation 373743 (VCV000373743.9), dbSNP rs764203302, ClinGen allele CA16042961.